The following is an entry in ClinVar:

ClinVar aggregate classification (germline): Uncertain significance. Review status: criteria provided, multiple submitters, no conflicts (2 of 4 stars). 3 submissions from 3 submitters: Uncertain significance (3). Last evaluated 2023-01-28.

Conditions:
Hereditary cancer-predisposing syndrome. Also called: Tumor predisposition; Hereditary Cancer Syndrome; Hereditary neoplastic syndrome; Neoplastic Syndromes, Hereditary. Identifiers: Orphanet 140162, MedGen C0027672, MeSH D009386, MONDO:0015356.
Familial cancer of breast. Also called: BREAST CANCER, FAMILIAL; Hereditary breast cancer; hereditary breast carcinoma. Identifiers: Orphanet 227535, MedGen C0346153, MONDO:0016419, OMIM 114480. Disease mechanism: loss of function.

Submissions (3):

Ambry Genetics
Classification: Uncertain significance for Hereditary cancer-predisposing syndrome. Last evaluated: 2023-01-28. Review status: criteria provided, single submitter. Criteria: Ambry Variant Classification Scheme 2023. Collection method: clinical testing. Allele origin: germline.
Comment: The p.L1151H variant (also known as c.3452T>A), located in coding exon 13 of the PALB2 gene, results from a T to A substitution at nucleotide position 3452. The leucine at codon 1151 is replaced by histidine, an amino acid with similar properties. This amino acid position is conserved. In addition, the in silico prediction for this alteration is inconclusive. Since supporting evidence is limited at this time, the clinical significance of this alteration remains unclear.

Labcorp Genetics (formerly Invitae), Labcorp
Classification: Uncertain significance for Familial cancer of breast. Last evaluated: 2019-03-20. Review status: criteria provided, single submitter. Criteria: Invitae Variant Classification Sherloc (09022015). Collection method: clinical testing. Allele origin: germline.
Comment: This variant has not been reported in the literature in individuals with PALB2-related disease. ClinVar contains an entry for this variant (Variation ID: 182776). This variant is not present in population databases (ExAC no frequency). This sequence change replaces leucine with histidine at codon 1151 of the PALB2 protein (p.Leu1151His). The leucine residue is highly conserved and there is a moderate physicochemical difference between leucine and histidine. Algorithms developed to predict the effect of missense changes on protein structure and function (SIFT, PolyPhen-2, Align-GVGD) all suggest that this variant is likely to be disruptive, but these predictions have not been confirmed by published functional studies and their clinical significance is uncertain. In summary, the available evidence is currently insufficient to determine the role of this variant in disease. Therefore, it has been classified as a Variant of Uncertain Significance.

GeneDx
Classification: Uncertain significance. Last evaluated: 2018-10-29. Review status: criteria provided, single submitter. Criteria: GeneDx Variant Classification (06012015). Collection method: clinical testing. Allele origin: germline. Affected: yes.
Comment: This variant is denoted PALB2 c.3452T>A at the cDNA level, p.Leu1151His (L1151H) at the protein level, and results in the change of a Leucine to a Histidine (CTC>CAC). This variant has not, to our knowledge, been published in the literature as a pathogenic or benign germline variant. PALB2 Leu1151His was not observed in large population cohorts (Lek 2016). This variant is located in the region required for interaction with POLH and POLH DNA synthesis stimulation, in the regions of interaction with RAD51 and BRCA2, and in the WD6 repeats (Oliver 2009, Buisson 2010, Buisson 2014). In silico analysis, which includes protein predictors and evolutionary conservation, supports a deleterious effect. Based on currently available evidence, it is unclear whether PALB2 Leu1151His is a pathogenic or benign variant. We consider it to be a variant of uncertain significance.

NM_024675.4(PALB2):c.3452T>A (p.Leu1151His)

Gene: PALB2 (partner and localizer of BRCA2; minus strand). Cytogenetic location: 16p12.2.
Variant type: single nucleotide variant.
Coding change: c.3452T>A on transcript NM_024675.4 (MANE Select); coding-DNA position 3452, T replaced by A.
Protein change: p.Leu1151His; replaces leucine 1151 with histidine.
Molecular consequence: missense variant.
Genome position (GRCh38, 1-based): chr16:23,603,568, A>T on the plus strand (T>A on the coding strand, the complement: PALB2 is on the minus strand). VCF-style: chr16-23603568-A-T. GRCh37 (hg19) VCF-style: chr16-23614889-A-T.
Other names: p.L1151H:CTC>CAC; short protein forms L1151H.
Identifiers: ClinVar variation 182776 (VCV000182776.15), dbSNP rs730881895, ClinGen allele CA299756.
Genomic context (GRCh38, chr16:23,603,568, plus strand): 5'-AAATGAGAGTCTGTACCCGACCATTTCACAAAAGACCAATGTTGGTCAGAGACAGGTGGG[A>T]GGAGGGCAGTACACTGACCGAGAAGTAAGTCCCAAATGGCAATTGTTCCAGAAGTCAAGA-3'
Protein context (NP_078951.2, residues 1141-1161): DLLLGQCTAL[Leu1151His]PPVSDQHWSF